The following is an entry in ClinVar:

NM_024422.6(DSC2):c.566A>G (p.Glu189Gly)

Gene: DSC2 (desmocollin 2; minus strand). Cytogenetic location: 18q12.1.
Variant type: single nucleotide variant.
Coding change: c.566A>G on transcript NM_024422.6 (MANE Select); coding-DNA position 566, A replaced by G.
Protein change: p.Glu189Gly; replaces glutamic acid 189 with glycine.
Molecular consequence: missense variant.
Genome position (GRCh38, 1-based): chr18:31,089,503, T>C on the plus strand (A>G on the coding strand, the complement: DSC2 is on the minus strand). VCF-style: chr18-31089503-T-C. GRCh37 (hg19) VCF-style: chr18-28669466-T-C.
Other names: c.137A>G, p.Glu46Gly (NM_001406506.1, NM_001406507.1); c.566A>G, p.Glu189Gly (NM_004949.5); short protein forms E189G, E46G.
Identifiers: ClinVar variation 3071354 (VCV003071354.1), dbSNP rs2510953793, ClinGen allele CA402113575.

ClinVar aggregate classification (germline): Uncertain significance (1 of 4 stars; one submission).

Conditions:
Familial isolated arrhythmogenic right ventricular dysplasia. Identifiers: Orphanet 217656, MedGen C4274968, MONDO:0016342.

Submission:

All of Us Research Program, National Institutes of Health
Classification: Uncertain significance for Familial isolated arrhythmogenic right ventricular dysplasia. Last evaluated: 2023-05-31. Review status: criteria provided, single submitter. Criteria: ACMG Guidelines, 2015. Collection method: clinical testing. Allele origin: germline. Inheritance: Autosomal dominant inheritance. Observed: 1 variant allele, 1 heterozygote.
Comment: This study involves interpretation of variants in research participants for the purpose of population health screening. Participant phenotype was not available at the time of variant classification. Additional details can be found in publication PMID: 35346344, PMCID: PMC8962531